The following is an entry in ClinVar:

ClinVar aggregate classification (germline): Pathogenic/Likely pathogenic. Review status: criteria provided, multiple submitters, no conflicts (2 of 4 stars). 2 submissions from 2 submitters: Pathogenic (1); Likely pathogenic (1). Last evaluated 2024-09-03.

Conditions:
Cohen syndrome (COH1). Also called: PEPPER SYNDROME; Cutis verticis gyrata, retinitis pigmentosa, and sensorineural deafness. Identifiers: Orphanet 193, MedGen C0265223, MONDO:0008999, OMIM 216550.

Allele frequency attached by ClinVar (database versions not stated): gnomAD exomes below 0.00001.
gnomAD v4.1: 1 of 1,614,080 alleles (0.000062%); highest among the groups gnomAD compares: Non-Finnish European, 0.000085%; no homozygotes.

Submissions (2):

Labcorp Genetics (formerly Invitae), Labcorp
Classification: Pathogenic for Cohen syndrome. Last evaluated: 2024-09-03. Review status: criteria provided, single submitter. Criteria: Invitae Variant Classification Sherloc (09022015). Collection method: clinical testing. Allele origin: germline.
Comment: This sequence change creates a premature translational stop signal (p.Lys2418*) in the VPS13B gene. It is expected to result in an absent or disrupted protein product. Loss-of-function variants in VPS13B are known to be pathogenic (PMID: 15141358, 16648375, 20461111). This variant is not present in population databases (gnomAD no frequency). This variant has not been reported in the literature in individuals affected with VPS13B-related conditions. ClinVar contains an entry for this variant (Variation ID: 1725063). For these reasons, this variant has been classified as Pathogenic.

Myriad Genetics, Inc.
Classification: Likely pathogenic for Cohen syndrome. Last evaluated: 2021-11-29. Review status: criteria provided, single submitter. Criteria: Myriad Women's Health Autosomal Recessive and X-Linked Classification Criteria (2021). Collection method: clinical testing. Allele origin: unknown.
Comment: NM_017890.4(VPS13B):c.7252A>T(K2418*) is expected to be pathogenic in the context of Cohen syndrome. This variant is predicted to lead to an abnormal or absent protein product due to the creation of a premature termination codon in VPS13B, a gene where loss-of-function variants are known to be pathogenic. Please note: this variant was assessed in the context of healthy population screening.

Literature cited by the submitters: PubMed 15141358 (cited by Labcorp Genetics (formerly Invitae), Labcorp); PubMed 16648375 (cited by Labcorp Genetics (formerly Invitae), Labcorp); PubMed 20461111 (cited by Labcorp Genetics (formerly Invitae), Labcorp).

NM_152564.5(VPS13B):c.7177A>T (p.Lys2393Ter)

Gene: VPS13B (vacuolar protein sorting 13 homolog B; plus strand). Cytogenetic location: 8q22.2.
Variant type: single nucleotide variant.
Coding change: c.7177A>T on transcript NM_152564.5 (MANE Select); coding-DNA position 7177, A replaced by T.
Protein change: p.Lys2393Ter; replaces lysine 2393 with a stop codon.
Molecular consequence: nonsense.
Genome position (GRCh38, 1-based): chr8:99,766,900, A>T. VCF-style: chr8-99766900-A-T. GRCh37 (hg19) VCF-style: chr8-100779128-A-T.
Other names: c.7252A>T, p.Lys2418Ter (NM_017890.5); short protein forms K2393*, K2418*.
Identifiers: ClinVar variation 1725063 (VCV001725063.4), dbSNP rs2491774546, ClinGen allele CA371874392.